The following is an entry in ClinVar:

NM_001793.6(CDH3):c.1465G>A (p.Asp489Asn)

Gene: CDH3 (cadherin 3; plus strand). Cytogenetic location: 16q22.1.
Variant type: single nucleotide variant.
Coding change: c.1465G>A on transcript NM_001793.6 (MANE Select); coding-DNA position 1465, G replaced by A.
Protein change: p.Asp489Asn; replaces aspartic acid 489 with asparagine.
Molecular consequence: missense variant.
Genome position (GRCh38, 1-based): chr16:68,685,245, G>A. VCF-style: chr16-68685245-G-A. GRCh37 (hg19) VCF-style: chr16-68719148-G-A.
Other names: c.1465G>A, p.Asp489Asn (NM_001317195.3); c.1300G>A, p.Asp434Asn (NM_001317196.2); short protein forms D489N, D434N.
Identifiers: ClinVar variation 2011986 (VCV002011986.4), dbSNP rs2543745643, ClinGen allele CA396454326.

ClinVar aggregate classification (germline): Uncertain significance (1 of 4 stars; one submission).

Allele frequency attached by ClinVar (database versions not stated): gnomAD exomes below 0.00001.
gnomAD v4.1: 1 of 1,614,150 alleles (0.000062%); highest among the groups gnomAD compares: East Asian, 0.0022%; no homozygotes.

Submission:

Labcorp Genetics (formerly Invitae), Labcorp
Classification: Uncertain significance. Last evaluated: 2024-02-24. Review status: criteria provided, single submitter. Criteria: Invitae Variant Classification Sherloc (09022015). Collection method: clinical testing. Allele origin: germline.
Comment: This sequence change replaces aspartic acid, which is acidic and polar, with asparagine, which is neutral and polar, at codon 489 of the CDH3 protein (p.Asp489Asn). This variant is not present in population databases (gnomAD no frequency). This variant has not been reported in the literature in individuals affected with CDH3-related conditions. ClinVar contains an entry for this variant (Variation ID: 2011986). Advanced modeling of protein sequence and biophysical properties (such as structural, functional, and spatial information, amino acid conservation, physicochemical variation, residue mobility, and thermodynamic stability) performed at Invitae indicates that this missense variant is not expected to disrupt CDH3 protein function with a negative predictive value of 80%. In summary, the available evidence is currently insufficient to determine the role of this variant in disease. Therefore, it has been classified as a Variant of Uncertain Significance.